The following is an entry in ClinVar:

ClinVar aggregate classification (germline): Uncertain significance. Review status: criteria provided, multiple submitters, no conflicts (2 of 4 stars). 2 submissions from 2 submitters: Uncertain significance (2). Last evaluated 2022-03-27.

Conditions:
Inborn genetic diseases. Identifiers: MedGen C0950123, MeSH D030342.

gnomAD v4.1: 3 of 1,614,082 alleles (0.00019%); highest among the groups gnomAD compares: Non-Finnish European, 0.00017%; no homozygotes.

Submissions (2):

Labcorp Genetics (formerly Invitae), Labcorp
Classification: Uncertain significance. Last evaluated: 2022-03-27. Review status: criteria provided, single submitter. Criteria: Invitae Variant Classification Sherloc (09022015). Collection method: clinical testing. Allele origin: germline.
Comment: In summary, the available evidence is currently insufficient to determine the role of this variant in disease. Therefore, it has been classified as a Variant of Uncertain Significance. Algorithms developed to predict the effect of missense changes on protein structure and function output the following: SIFT: "Tolerated"; PolyPhen-2: "Benign"; Align-GVGD: "Class C0". The serine amino acid residue is found in multiple mammalian species, which suggests that this missense change does not adversely affect protein function. ClinVar contains an entry for this variant (Variation ID: 521646). This variant has not been reported in the literature in individuals affected with LAMC3-related conditions. This variant is not present in population databases (gnomAD no frequency). This sequence change replaces threonine, which is neutral and polar, with serine, which is neutral and polar, at codon 431 of the LAMC3 protein (p.Thr431Ser).

Ambry Genetics
Classification: Uncertain significance for Inborn genetic diseases. Last evaluated: 2017-04-12. Review status: criteria provided, single submitter. Criteria: Ambry exome assertion method (8-5-2015). Collection method: clinical testing. Allele origin: germline. Affected: yes. Observed: 1 variant allele.

NM_006059.4(LAMC3):c.1292C>G (p.Thr431Ser)

Gene: LAMC3 (laminin subunit gamma 3; plus strand). Cytogenetic location: 9q34.12.
Variant type: single nucleotide variant.
Coding change: c.1292C>G on transcript NM_006059.4 (MANE Select); coding-DNA position 1292, C replaced by G.
Protein change: p.Thr431Ser; replaces threonine 431 with serine.
Molecular consequence: missense variant.
Genome position (GRCh38, 1-based): chr9:131,041,645, C>G. VCF-style: chr9-131041645-C-G. GRCh37 (hg19) VCF-style: chr9-133917032-C-G.
Other names: short protein forms T431S.
Identifiers: ClinVar variation 521646 (VCV000521646.8), dbSNP rs776500074, ClinGen allele CA375260166.